The following is an entry in ClinVar:

NM_000088.4(COL1A1):c.3239C>T (p.Pro1080Leu)

Gene: COL1A1 (collagen type I alpha 1 chain; minus strand). Cytogenetic location: 17q21.33.
Variant type: single nucleotide variant.
Coding change: c.3239C>T on transcript NM_000088.4 (MANE Select); coding-DNA position 3239, C replaced by T.
Protein change: p.Pro1080Leu; replaces proline 1080 with leucine.
Molecular consequence: missense variant.
Genome position (GRCh38, 1-based): chr17:50,188,118, G>A on the plus strand (C>T on the coding strand, the complement: COL1A1 is on the minus strand). VCF-style: chr17-50188118-G-A. GRCh37 (hg19) VCF-style: chr17-48265479-G-A.
Other names: short protein forms P1080L.
Identifiers: ClinVar variation 3625189 (VCV003625189.2).
Genomic context (GRCh38, chr17:50,188,118, plus strand): 5'-GAGTTCTAAAGGCATGGGGGACACAGCAGGGTACTTACGGCGGGGCCACGGGCGCCAACA[G>A]GGCCGACAGGACCGGCGGGACCAGCAGGACCCTGGGGAGAGCAAGGAAAGCATGAGCTCT-3'
Protein context (NP_000079.2, residues 1070-1090): GPAGPAGPVG[Pro1080Leu]VGARGPAGPQ

ClinVar aggregate classification (germline): Uncertain significance (1 of 4 stars; one submission).

Conditions:
Osteogenesis imperfecta type I (OI1). Also called: Classic Non-deforming Osteogenesis Imperfecta with Blue Sclerae; Lobstein's Disease; Lobstein disease; OI, TYPE I; OSTEOGENESIS IMPERFECTA TARDA; OSTEOGENESIS IMPERFECTA WITH BLUE SCLERAE. Identifiers: Orphanet 216796, Orphanet 666, MedGen C0023931, MONDO:0008146, OMIM 166200. Disease mechanism: loss of function.

gnomAD v4.1: 2 of 1,581,466 alleles (0.00013%); highest among the groups gnomAD compares: Non-Finnish European, 0.00017%; no homozygotes.

Submission:

Labcorp Genetics (formerly Invitae), Labcorp
Classification: Uncertain significance for Osteogenesis imperfecta type I. Last evaluated: 2024-12-23. Review status: criteria provided, single submitter. Criteria: Invitae Variant Classification Sherloc (09022015). Collection method: clinical testing. Allele origin: germline.
Comment: This sequence change replaces proline, which is neutral and non-polar, with leucine, which is neutral and non-polar, at codon 1080 of the COL1A1 protein (p.Pro1080Leu). This variant is not present in population databases (gnomAD no frequency). This variant has not been reported in the literature in individuals affected with COL1A1-related conditions. Invitae Evidence Modeling of protein sequence and biophysical properties (such as structural, functional, and spatial information, amino acid conservation, physicochemical variation, residue mobility, and thermodynamic stability) has been performed for this missense variant. However, the output from this modeling did not meet the statistical confidence thresholds required to predict the impact of this variant on COL1A1 protein function. In summary, the available evidence is currently insufficient to determine the role of this variant in disease. Therefore, it has been classified as a Variant of Uncertain Significance.